The following is an entry in ClinVar:

ClinVar aggregate classification (germline): Uncertain significance. Review status: criteria provided, multiple submitters, no conflicts (2 of 4 stars). 2 submissions from 2 submitters: Uncertain significance (2). Last evaluated 2024-07-14.

Conditions:
Inborn genetic diseases. Identifiers: MedGen C0950123, MeSH D030342.
DOCK2 deficiency. Also called: Immunodeficiency 40. Identifiers: Orphanet 447737, MedGen C4225328, MONDO:0014637, OMIM 616433.

Allele frequency attached by ClinVar (database versions not stated): TOPMed below 0.00001; gnomAD 0.00002.
gnomAD v4.1: 3 of 1,614,092 alleles (0.00019%); highest among the groups gnomAD compares: African/African-American, 0.004%; no homozygotes.

Submissions (2):

Ambry Genetics
Classification: Uncertain significance for Inborn genetic diseases. Last evaluated: 2024-07-14. Review status: criteria provided, single submitter. Criteria: Ambry Variant Classification Scheme 2023. Collection method: clinical testing. Allele origin: germline.

Labcorp Genetics (formerly Invitae), Labcorp
Classification: Uncertain significance for DOCK2 deficiency. Last evaluated: 2022-06-24. Review status: criteria provided, single submitter. Criteria: Invitae Variant Classification Sherloc (09022015). Collection method: clinical testing. Allele origin: germline.
Comment: This sequence change replaces glutamine, which is neutral and polar, with arginine, which is basic and polar, at codon 1821 of the DOCK2 protein (p.Gln1821Arg). This variant is not present in population databases (gnomAD no frequency). This variant has not been reported in the literature in individuals affected with DOCK2-related conditions. ClinVar contains an entry for this variant (Variation ID: 659784). Algorithms developed to predict the effect of missense changes on protein structure and function (SIFT, PolyPhen-2, Align-GVGD) all suggest that this variant is likely to be tolerated. In summary, the available evidence is currently insufficient to determine the role of this variant in disease. Therefore, it has been classified as a Variant of Uncertain Significance.

NM_004946.3(DOCK2):c.5462A>G (p.Gln1821Arg)

Gene: DOCK2 (dedicator of cytokinesis 2; plus strand). Cytogenetic location: 5q35.1.
Variant type: single nucleotide variant.
Coding change: c.5462A>G on transcript NM_004946.3 (MANE Select); coding-DNA position 5462, A replaced by G.
Protein change: p.Gln1821Arg; replaces glutamine 1821 with arginine.
Molecular consequence: missense variant. On other transcripts: non-coding transcript variant (1).
Genome position (GRCh38, 1-based): chr5:170,082,827, A>G. VCF-style: chr5-170082827-A-G. GRCh37 (hg19) VCF-style: chr5-169509831-A-G.
Other names: c.5462A>G, p.Gln1821Arg (LRG_1227t1); short protein forms Q1821R.
Identifiers: ClinVar variation 659784 (VCV000659784.5), dbSNP rs1223159645, ClinGen allele CA362119992.